The following is an entry in ClinVar:

NM_016562.4(TLR7):c.23T>C (p.Leu8Pro)

Gene: TLR7 (toll like receptor 7; plus strand). Cytogenetic location: Xp22.2.
Variant type: single nucleotide variant.
Coding change: c.23T>C on transcript NM_016562.4 (MANE Select); coding-DNA position 23, T replaced by C.
Protein change: p.Leu8Pro; replaces leucine 8 with proline.
Molecular consequence: missense variant.
Genome position (GRCh38, 1-based): chrX:12,885,531, T>C. VCF-style: chrX-12885531-T-C. GRCh37 (hg19) VCF-style: chrX-12903650-T-C.
Other names: short protein forms L8P.
Identifiers: ClinVar variation 4812082 (VCV004812082.1).

ClinVar aggregate classification (germline): Uncertain significance (1 of 4 stars; one submission).

gnomAD v4.1: 2 of 1,201,521 alleles (0.00017%); highest among the groups gnomAD compares: African/African-American, 0.0035%; no homozygotes.

Submission:

Labcorp Genetics (formerly Invitae), Labcorp
Classification: Uncertain significance. Last evaluated: 2025-04-23. Review status: criteria provided, single submitter. Criteria: Invitae Variant Classification Sherloc (09022015). Collection method: clinical testing. Allele origin: germline.
Comment: This sequence change replaces leucine, which is neutral and non-polar, with proline, which is neutral and non-polar, at codon 8 of the TLR7 protein (p.Leu8Pro). This variant is present in population databases (rs371046642, gnomAD 0.008%). This variant has not been reported in the literature in individuals affected with TLR7-related conditions. An algorithm developed to predict the effect of missense changes on protein structure and function (PolyPhen-2) suggests that this variant is likely to be tolerated. In summary, the available evidence is currently insufficient to determine the role of this variant in disease. Therefore, it has been classified as a Variant of Uncertain Significance.